The following is an entry in ClinVar:

NM_145290.4(ADGRA3):c.2710C>G (p.Pro904Ala)

Gene: ADGRA3 (adhesion G protein-coupled receptor A3; minus strand). Cytogenetic location: 4p15.2.
Variant type: single nucleotide variant.
Coding change: c.2710C>G on transcript NM_145290.4 (MANE Select); coding-DNA position 2710, C replaced by G.
Protein change: p.Pro904Ala; replaces proline 904 with alanine.
Molecular consequence: missense variant.
Genome position (GRCh38, 1-based): chr4:22,389,101, G>C on the plus strand (C>G on the coding strand, the complement: ADGRA3 is on the minus strand). VCF-style: chr4-22389101-G-C. GRCh37 (hg19) VCF-style: chr4-22390724-G-C.
Other names: short protein forms P904A.
Identifiers: ClinVar variation 862944 (VCV000862944.9), dbSNP rs1352247777, ClinGen allele CA356475126.
Genomic context (GRCh38, chr4:22,389,101, plus strand): 5'-AAAGAGAAACAACTGGGTCAAGTACACAGAGAATATAAAATACTCACTAGGGTGCGTTTG[G>C]CCGACTGCCGTAATTCTTAATGTTCGCTGCTGCAGTTATGCCGCAAACAATGATGGGGAT-3'
Protein context (NP_660333.2, residues 894-914): AANIKNYGSR[Pro904Ala]NAPYCWMAWE

ClinVar aggregate classification (germline): Uncertain significance (1 of 4 stars; one submission).

Allele frequency attached by ClinVar (database versions not stated): TOPMed below 0.00001; gnomAD 0.00001.
gnomAD v4.1: 1 of 1,613,708 alleles (0.000062%); highest among the groups gnomAD compares: Non-Finnish European, 0.000085%; no homozygotes.

Submission:

Labcorp Genetics (formerly Invitae), Labcorp
Classification: Uncertain significance. Last evaluated: 2022-01-14. Review status: criteria provided, single submitter. Criteria: Invitae Variant Classification Sherloc (09022015). Collection method: clinical testing. Allele origin: germline.
Comment: This sequence change replaces proline, which is neutral and non-polar, with alanine, which is neutral and non-polar, at codon 904 of the ADGRA3 protein (p.Pro904Ala). This variant is not present in population databases (gnomAD no frequency). This variant has not been reported in the literature in individuals affected with ADGRA3-related conditions. In summary, the available evidence is currently insufficient to determine the role of this variant in disease. Therefore, it has been classified as a Variant of Uncertain Significance. Algorithms developed to predict the effect of missense changes on protein structure and function (SIFT, PolyPhen-2, Align-GVGD) all suggest that this variant is likely to be tolerated. ClinVar contains an entry for this variant (Variation ID: 862944).